The following is an entry in ClinVar:

NM_020458.4(TTC7A):c.487C>T (p.Arg163Trp)

Gene: TTC7A (tetratricopeptide repeat domain 7A; plus strand). Cytogenetic location: 2p21.
Variant type: single nucleotide variant.
Coding change: c.487C>T on transcript NM_020458.4 (MANE Select); coding-DNA position 487, C replaced by T.
Protein change: p.Arg163Trp; replaces arginine 163 with tryptophan.
Molecular consequence: missense variant. On other transcripts: 5 prime UTR variant (1).
Genome position (GRCh38, 1-based): chr2:46,956,977, C>T. VCF-style: chr2-46956977-C-T. GRCh37 (hg19) VCF-style: chr2-47184116-C-T.
Other names: c.487C>T, p.Arg163Trp (LRG_1323t1, NM_001288951.2); c.385C>T, p.Arg129Trp (NM_001288953.2); c.-418C>T (NM_001288955.2); short protein forms R163W, R129W.
Identifiers: ClinVar variation 645445 (VCV000645445.6), dbSNP rs767380906, ClinGen allele CA1647174.

ClinVar aggregate classification (germline): Uncertain significance (1 of 4 stars; one submission).

Conditions:
Multiple gastrointestinal atresias. Also called: FAMILIAL INTESTINAL POLYATRESIA SYNDROME; Multiple intestinal atresia. Identifiers: Orphanet 2300, MedGen C0220744, MONDO:0009465.

Allele frequency attached by ClinVar (database versions not stated): gnomAD 0.00001; TOPMed 0.00001.

Submission:

Labcorp Genetics (formerly Invitae), Labcorp
Classification: Uncertain significance for Multiple gastrointestinal atresias. Last evaluated: 2022-08-15. Review status: criteria provided, single submitter. Criteria: Invitae Variant Classification Sherloc (09022015). Collection method: clinical testing. Allele origin: germline.
Comment: This sequence change replaces arginine, which is basic and polar, with tryptophan, which is neutral and slightly polar, at codon 163 of the TTC7A protein (p.Arg163Trp). This variant is present in population databases (rs767380906, gnomAD 0.002%). This variant has not been reported in the literature in individuals affected with TTC7A-related conditions. ClinVar contains an entry for this variant (Variation ID: 645445). Algorithms developed to predict the effect of missense changes on protein structure and function are either unavailable or do not agree on the potential impact of this missense change (SIFT: "Deleterious"; PolyPhen-2: "Probably Damaging"; Align-GVGD: "Class C0"). In summary, the available evidence is currently insufficient to determine the role of this variant in disease. Therefore, it has been classified as a Variant of Uncertain Significance.